The following is an entry in ClinVar:

NM_006445.4(PRPF8):c.37C>G (p.Pro13Ala)

Gene: PRPF8 (pre-mRNA processing factor 8; minus strand). Cytogenetic location: 17p13.3.
Variant type: single nucleotide variant.
Coding change: c.37C>G on transcript NM_006445.4 (MANE Select); coding-DNA position 37, C replaced by G.
Protein change: p.Pro13Ala; replaces proline 13 with alanine.
Molecular consequence: missense variant.
Genome position (GRCh38, 1-based): chr17:1,684,535, G>C on the plus strand (C>G on the coding strand, the complement: PRPF8 is on the minus strand). VCF-style: chr17-1684535-G-C. GRCh37 (hg19) VCF-style: chr17-1587829-G-C.
Other names: short protein forms P13A.
Identifiers: ClinVar variation 972667 (VCV000972667.10), dbSNP rs371898516, ClinGen allele CA8272759.

ClinVar aggregate classification (germline): Conflicting classifications of pathogenicity. Review status: criteria provided, conflicting classifications (1 of 4 stars). 4 submissions from 4 submitters: Uncertain significance (2); Likely benign (1). 1 of the submissions does not count toward it. Last evaluated 2026-02-26.

Conditions:
PRPF8-related disorder. Also called: PRPF8-related condition.

Allele frequency attached by ClinVar (database versions not stated): ESP Exome Variant Server 0.00008; gnomAD 0.00012 and 0.00013; TOPMed 0.00012; gnomAD exomes 0.00013.
gnomAD v4.1: 336 of 1,612,496 alleles (0.021%); highest among the groups gnomAD compares: Non-Finnish European, 0.027%; no homozygotes.

Submissions (4):

PreventionGenetics, part of Exact Sciences
Classification: Uncertain significance for PRPF8-related condition. Last evaluated: 2026-02-26. Review status: criteria provided, single submitter. Criteria: ACMG Guidelines, 2015. Collection method: clinical testing. Allele origin: germline.
Comment: The PRPF8 c.37C>G variant is predicted to result in the amino acid substitution p.Pro13Ala. This variant has been reported in individuals with retinitis pigmentosa (see, for example, Thorsteinsson et al. 2021. PubMed ID: 33851411; Table S1, Weisschuh et al. 2024. PubMed ID: 37734845). However, this variant is reported in 0.029% of alleles in individuals of European (Non-Finnish) descent in gnomAD, which may be too frequent to be a primary cause of disease. Although we suspect that this variant may be benign, the clinical significance of this variant is currently classified as uncertain due to the absence of conclusive functional and genetic evidence.

Labcorp Genetics (formerly Invitae), Labcorp
Classification: Uncertain significance. Last evaluated: 2025-12-15. Review status: criteria provided, single submitter. Criteria: Invitae Variant Classification Sherloc (09022015). Collection method: clinical testing. Allele origin: germline.
Comment: This sequence change replaces proline, which is neutral and non-polar, with alanine, which is neutral and non-polar, at codon 13 of the PRPF8 protein (p.Pro13Ala). This variant is present in population databases (rs371898516, gnomAD 0.03%), and has an allele count higher than expected for a pathogenic variant. This missense change has been observed in individual(s) with retinitis pigmentosa (PMID: 33851411, 37734845). ClinVar contains an entry for this variant (Variation ID: 972667). An algorithm developed to predict the effect of missense changes on protein structure and function (PolyPhen-2) suggests that this variant is likely to be tolerated. This variant disrupts the p.Pro13 amino acid residue in PRPF8. Other variant(s) that disrupt this residue have been determined to be pathogenic (PMID: 28707069). This suggests that this residue is clinically significant, and that variants that disrupt this residue are likely to be disease-causing. In summary, the available evidence is currently insufficient to determine the role of this variant in disease. Therefore, it has been classified as a Variant of Uncertain Significance.

Blueprint Genetics
Classification: Likely benign. Last evaluated: 2024-11-11. Review status: criteria provided, single submitter. Criteria: ACMG Guidelines, 2015. Collection method: clinical testing. Allele origin: germline.

Department of Pathology and Laboratory Medicine, Sinai Health System
Classification: Uncertain significance. Review status: no assertion criteria provided. Collection method: clinical testing. Allele origin: unknown. Affected: yes. Study: The Canadian Open Genetics Repository (COGR). Not counted in ClinVar's aggregate classification.
Comment: The PRPF8 p.Pro13Ala variant was not identified in the literature nor was it identified in ClinVar, Cosmic or LOVD 3.0. The variant was identified in dbSNP (ID: rs371898516) and in control databases in 39 of 277678 chromosomes at a frequency of 0.00014 (Genome Aggregation Database Feb 27, 2017). The variant was observed in the following populations: European (non-Finnish) in 36 of 125796 chromosomes (freq: 0.000286), European (Finnish) in 2 of 25090 chromosomes (freq: 0.00008) and African in 1 of 23842 chromosomes (freq: 0.000042); it was not observed in the Latino, Ashkenazi Jewish, East Asian, Other, and South Asian populations. The p.Pro13 residue is conserved in mammals and computational analyses (PolyPhen-2, SIFT, AlignGVGD, BLOSUM, MutationTaster) provide inconsistent predictions regarding the impact to the protein; this information is not very predictive of pathogenicity. The variant occurs outside of the splicing consensus sequence and 3 of 4 in silico or computational prediction software programs (SpliceSiteFinder, NNSPLICE, GeneSplicer) do not predict a difference in splicing. In summary, based on the above information the clinical significance of this variant cannot be determined with certainty at this time. This variant is classified as a variant of uncertain significance.

Literature cited by the submitters: PubMed 33851411 (cited by Labcorp Genetics (formerly Invitae), Labcorp); PubMed 37734845 (cited by Labcorp Genetics (formerly Invitae), Labcorp); PubMed 28707069 (cited by Labcorp Genetics (formerly Invitae), Labcorp).